The following is an entry in ClinVar:

ClinVar aggregate classification (germline): Uncertain significance (1 of 4 stars; one submission).

Conditions:
Symmetrical dyschromatosis of extremities (DSH). Also called: DYSCHROMATOSIS SYMMETRICA HEREDITARIA 1; RETICULATE ACROPIGMENTATION OF DOHI; SYMMETRIC DYSCHROMATOSIS OF THE EXTREMITIES; Dyschromatosis symmetrica hereditaria. Identifiers: Orphanet 41, MedGen C0406775, MONDO:0007483, OMIM 127400.
Aicardi-Goutieres syndrome 6 (AGS6). Identifiers: Orphanet 51, MedGen C3539013, MONDO:0014007, OMIM 615010.

gnomAD v4.1: 2 of 1,614,164 alleles (0.00012%); highest among the groups gnomAD compares: East Asian, 0.0022%; no homozygotes.

Submission:

Labcorp Genetics (formerly Invitae), Labcorp
Classification: Uncertain significance for Aicardi-Goutieres syndrome 6; Symmetrical dyschromatosis of extremities. Last evaluated: 2021-08-19. Review status: criteria provided, single submitter. Criteria: Invitae Variant Classification Sherloc (09022015). Collection method: clinical testing. Allele origin: germline.
Comment: Algorithms developed to predict the effect of missense changes on protein structure and function (SIFT, PolyPhen-2, Align-GVGD) all suggest that this variant is likely to be tolerated, but these predictions have not been confirmed by published functional studies and their clinical significance is uncertain. In summary, the available evidence is currently insufficient to determine the role of this variant in disease. Therefore, it has been classified as a Variant of Uncertain Significance. This sequence change replaces cysteine with tyrosine at codon 622 of the ADAR protein (p.Cys622Tyr). The cysteine residue is moderately conserved and there is a large physicochemical difference between cysteine and tyrosine. This variant is present in population databases (rs776484151, ExAC 0.006%). This variant has not been reported in the literature in individuals with ADAR-related conditions.

NM_001111.5(ADAR):c.1865G>A (p.Cys622Tyr)

Gene: ADAR (adenosine deaminase RNA specific; minus strand). Cytogenetic location: 1q21.3.
Variant type: single nucleotide variant.
Coding change: c.1865G>A on transcript NM_001111.5 (MANE Select); coding-DNA position 1865, G replaced by A.
Protein change: p.Cys622Tyr; replaces cysteine 622 with tyrosine.
Molecular consequence: missense variant.
Genome position (GRCh38, 1-based): chr1:154,597,897, C>T on the plus strand (G>A on the coding strand, the complement: ADAR is on the minus strand). VCF-style: chr1-154597897-C-T. GRCh37 (hg19) VCF-style: chr1-154570373-C-T.
Other names: c.980G>A, p.Cys327Tyr (NM_001025107.3, NM_001193495.2, NM_001365046.1 and 3 more transcripts); c.1892G>A, p.Cys631Tyr (NM_001365045.1); c.1865G>A, p.Cys622Tyr (NM_015840.4, NM_015841.4); short protein forms C622Y, C327Y, C631Y.
Identifiers: ClinVar variation 943909 (VCV000943909.8), dbSNP rs776484151, ClinGen allele CA1131442.